The following is an entry in ClinVar:

NM_000258.3(MYL3):c.466G>T (p.Val156Leu)

Gene: MYL3 (myosin light chain 3; minus strand). Cytogenetic location: 3p21.31.
Variant type: single nucleotide variant.
Coding change: c.466G>T on transcript NM_000258.3 (MANE Select); coding-DNA position 466, G replaced by T.
Protein change: p.Val156Leu; replaces valine 156 with leucine.
Molecular consequence: missense variant.
Genome position (GRCh38, 1-based): chr3:46,859,490, C>A on the plus strand (G>T on the coding strand, the complement: MYL3 is on the minus strand). VCF-style: chr3-46859490-C-A. GRCh37 (hg19) VCF-style: chr3-46900980-C-A.
Other names: p.V156L:GTG>TTG; short protein forms V156L.
Identifiers: ClinVar variation 177841 (VCV000177841.28), dbSNP rs199474707, ClinGen allele CA013890.

ClinVar aggregate classification (germline): Conflicting classifications of pathogenicity. Review status: criteria provided, conflicting classifications (1 of 4 stars). 12 submissions from 12 submitters: Pathogenic (1); Likely pathogenic (4); Uncertain significance (7). Last evaluated 2025-12-04.

Conditions:
MYL3-related disorder. Also called: MYL3-related condition.
Primary familial hypertrophic cardiomyopathy (HCM). Identifiers: Orphanet 99739, MedGen C0949658, MeSH D024741, MONDO:0024573. Inheritance: Various modes of inheritance.
Cardiovascular phenotype. Identifiers: MedGen CN230736.
Hypertrophic cardiomyopathy 8. Also called: CARDIOMYOPATHY, HYPERTROPHIC, MID-LEFT VENTRICULAR CHAMBER TYPE, 1; MYL3-Related Familial Hypertrophic Cardiomyopathy. Identifiers: MedGen C1837471, MONDO:0012111, OMIM 608751.
Hypertrophic cardiomyopathy. Also called: HYPERTROPHIC MYOCARDIOPATHY. Identifiers: Orphanet 217569, MedGen C0007194, MeSH D002312, MONDO:0005045, HP:0001639.
Cardiomyopathy (CMYO). Also called: Cardiomyopathies. Identifiers: Orphanet 167848, MedGen C0878544, MONDO:0004994, HP:0001638. Inheritance: Various modes of inheritance.

Submissions (12):

Ambry Genetics
Classification: Likely pathogenic for Cardiovascular phenotype. Last evaluated: 2025-12-04. Review status: criteria provided, single submitter. Criteria: Ambry Variant Classification Scheme 2023. Collection method: clinical testing. Allele origin: germline.
Comment: The p.V156L variant (also known as c.466G>T), located in coding exon 4 of the MYL3 gene, results from a G to T substitution at nucleotide position 466. The valine at codon 156 is replaced by leucine, an amino acid with highly similar properties. This variant was reported in individual(s) with features consistent with hypertrophic cardiomyopathy (HCM) (Alfares AA et al. Genet Med, 2015 Nov;17:880-8; Ho CY et al. Circulation, 2018 Oct;138:1387-1398; Ko C et al. Genet Med, 2018 Jan;20:69-75; Ware SM et al. Am J Hum Genet, 2022 Feb;109:282-298; external communication). This amino acid position is highly conserved in available vertebrate species. In addition, this alteration is predicted to be deleterious by in silico analysis. Another variant at the same codon, p.V156M (c.466G>A), has been identified in individual(s) with features consistent with HCM (Berge KE et al. Clin Genet, 2014 Oct;86:355-60; Walsh R et al. Genet Med, 2017 Feb;19:192-203; Oktay V et al. Anatol J Cardiol. 2023 Nov 1;27(11):628-638). Based on the majority of available evidence to date, this variant is likely to be pathogenic.

Labcorp Genetics (formerly Invitae), Labcorp
Classification: Pathogenic for Hypertrophic cardiomyopathy. Last evaluated: 2025-07-13. Review status: criteria provided, single submitter. Criteria: Invitae Variant Classification Sherloc (09022015). Collection method: clinical testing. Allele origin: germline.
Comment: This sequence change replaces valine, which is neutral and non-polar, with leucine, which is neutral and non-polar, at codon 156 of the MYL3 protein (p.Val156Leu). This variant is present in population databases (rs199474707, gnomAD 0.002%). This missense change has been observed in individuals with clinical features of autosomal dominant hypertrophic cardiomyopathy (PMID: 25132132, 25611685, 27532257, 31737537; internal data). ClinVar contains an entry for this variant (Variation ID: 177841). An algorithm developed to predict the effect of missense changes on protein structure and function (PolyPhen-2) suggests that this variant is likely to be disruptive. This variant disrupts the p.Val156 amino acid residue in MYL3. Other variant(s) that disrupt this residue have been determined to be pathogenic (PMID: 16754800, 23549607, 24111713, 27532257; internal data). This suggests that this residue is clinically significant, and that variants that disrupt this residue are likely to be disease-causing. For these reasons, this variant has been classified as Pathogenic.

Color Diagnostics, LLC DBA Color Health
Classification: Uncertain significance for Cardiomyopathy. Last evaluated: 2024-02-28. Review status: criteria provided, single submitter. Criteria: ACMG Guidelines, 2015. Collection method: clinical testing. Allele origin: germline.

Blueprint Genetics
Classification: Likely pathogenic for MYL3-related disorders. Last evaluated: 2023-05-31. Review status: criteria provided, single submitter. Criteria: ACMG Guidelines, 2015. Collection method: clinical testing. Allele origin: germline. Affected: yes. Observed: 5 variant alleles.

CHEO Genetics Diagnostic Laboratory, Children's Hospital of Eastern Ontario
Classification: Likely pathogenic for Cardiomyopathy. Last evaluated: 2023-04-19. Review status: criteria provided, single submitter. Criteria: ACMG Guidelines, 2015. Collection method: clinical testing. Allele origin: germline. Study: Canadian Open Genetics Repository.

AiLife Diagnostics
Classification: Uncertain significance. Last evaluated: 2021-12-15. Review status: criteria provided, single submitter. Criteria: ACMG Guidelines, 2015. Collection method: clinical testing. Allele origin: germline. Affected: yes. Observed: 3 variant alleles.

Laboratory for Molecular Medicine, Mass General Brigham Personalized Medicine
Classification: Uncertain significance. Last evaluated: 2018-11-30. Review status: criteria provided, single submitter. Criteria: LMM Criteria. Collection method: clinical testing. Allele origin: germline. Observed: 1 variant allele.
Comment: It has also been reported by other clinical laboratories in ClinVar (Va riation ID # 177841) and has been identified in 3/113668 European chromosomes by gnomAD. Another variant (c.466G>C) resulting in the same amino acid change has been identified in 2 individuals with HCM (Wa ng 2014, Walsh 2017). In addition, another variant at this position (p.Val156Me t) has been identified in 2 individuals with increased left ventricular wall thi ckness and 5 individuals with HCM, one of whom with infantile-onset-disease (Mo rita 2006, Berge 2014, LMM data), suggesting that changes at this position may n ot be tolerated. Computational prediction tools and conservation analysis sugges t that this variant may not impact the protein, though this information is not p redictive enough to rule out pathogenicity. In summary, the clinical significanc e of the p.Val156Leu variant is uncertain. ACMG/AMP Criteria applied: BP4, PS4_S upporting.

Illumina Laboratory Services, Illumina
Classification: Uncertain significance for Hypertrophic cardiomyopathy 8. Last evaluated: 2018-01-12. Review status: criteria provided, single submitter. Criteria: ICSL Variant Classification Criteria 13 December 2019. Collection method: clinical testing. Allele origin: germline.

GeneDx
Classification: Uncertain significance. Last evaluated: 2017-09-08. Review status: criteria provided, single submitter. Criteria: GeneDx Variant Classification (06012015). Collection method: clinical testing. Allele origin: germline. Affected: yes.
Comment: A variant of uncertain significance has been identified in the MYL3 gene. The V156L (c.466 G>T) variant has been reported previously in association with HCM; however, clinical data was not provided and segregation studies were not performed (Walsh et al., 2017). Additionally, while a different nucleotide substitution (c.466 G>C) that also results in the V156L missense substitution and a missense variant in the same residue (V156M) were previously reported in association with HCM (Morita et al., 2006; Wang et al., 2014), the pathogenicity of these variants has not been definitively determined. Furthermore, the V156L variant is a conservative amino acid substitution, which is not likely to impact secondary protein structure as these residues share similar properties. Nevertheless, the V156L (c.466 G>T) variant is not observed in large population cohorts (Lek et al., 2016; 1000 Genomes Consortium et al., 2015; Exome Variant Server). This substitution occurs at a position that is conserved across species, and in silico analysis predicts this variant is probably damaging to the protein structure/function. Finally, missense variants in nearby residues (H155D, E152K) have been reported in the Human Gene Mutation Database in association with cardiomyopathy (Stenson et al., 2014), supporting the functional importance of this region of the protein.

Phosphorus, Inc.
Classification: Likely pathogenic for Hypertrophic cardiomyopathy 8. Last evaluated: 2017-08-01. Review status: criteria provided, single submitter. Criteria: ACMG Guidelines, 2015. Collection method: clinical testing. Allele origin: germline. Observed: 1 variant allele.

Laboratory of Genetics and Molecular Cardiology, University of São Paulo
Classification: Uncertain significance for Hypertrophic cardiomyopathy 8. Review status: criteria provided, single submitter. Criteria: LGCM Criteria August 2015. Collection method: clinical testing. Allele origin: germline. Affected: yes. Observed: 1 variant allele. Study: Sarcomeric Human Cardiomyopathy Registry (ShaRe).

Molecular Diagnostic Laboratory for Inherited Cardiovascular Disease, Montreal Heart Institute
Classification: Uncertain significance for Primary familial hypertrophic cardiomyopathy. Review status: criteria provided, single submitter. Criteria: ACMG Guidelines, 2015. Collection method: clinical testing. Allele origin: germline. Affected: yes.

Literature cited by the submitters: PubMed 25611685 (cited by 3 submitters); PubMed 28640247 (cited by Ambry Genetics); PubMed 30297972 (cited by Ambry Genetics); PubMed 35026164 (cited by Ambry Genetics); PubMed 25132132 (cited by Labcorp Genetics (formerly Invitae), Labcorp and Laboratory for Molecular Medicine, Mass General Brigham Personalized Medicine); PubMed 27532257 (cited by 4 submitters); PubMed 31737537 (cited by Labcorp Genetics (formerly Invitae), Labcorp and AiLife Diagnostics); PubMed 16754800 (cited by 3 submitters); PubMed 23549607 (cited by Labcorp Genetics (formerly Invitae), Labcorp); PubMed 24111713 (cited by 3 submitters).